The following is an entry in ClinVar:

NM_001134363.3(RBM20):c.1178C>G (p.Pro393Arg)

Gene: RBM20 (RNA binding motif protein 20; plus strand). Cytogenetic location: 10q25.2.
Variant type: single nucleotide variant.
Coding change: c.1178C>G on transcript NM_001134363.3 (MANE Select); coding-DNA position 1178, C replaced by G.
Protein change: p.Pro393Arg; replaces proline 393 with arginine.
Molecular consequence: missense variant.
Genome position (GRCh38, 1-based): chr10:110,781,787, C>G. VCF-style: chr10-110781787-C-G. GRCh37 (hg19) VCF-style: chr10-112541545-C-G.
Other names: short protein forms P393R.
Identifiers: ClinVar variation 3233194 (VCV003233194.3), dbSNP rs757574546, ClinGen allele CA5688566.

ClinVar aggregate classification (germline): Conflicting classifications of pathogenicity. Review status: criteria provided, conflicting classifications (1 of 4 stars). 3 submissions from 3 submitters: Uncertain significance (2); Likely benign (1). Last evaluated 2025-11-03.

Conditions:
Dilated cardiomyopathy 1DD (CMD1DD). Identifiers: Orphanet 154, MedGen C2750995, MONDO:0013168, OMIM 613172.
Cardiovascular phenotype. Identifiers: MedGen CN230736.

Allele frequency attached by ClinVar (database versions not stated): gnomAD 0.00002; ExAC 0.00005.
gnomAD v4.1: 16 of 1,551,692 alleles (0.001%); highest among the groups gnomAD compares: Non-Finnish European, 0.00026%; no homozygotes.

Submissions (3):

Labcorp Genetics (formerly Invitae), Labcorp
Classification: Likely benign for Dilated cardiomyopathy 1DD. Last evaluated: 2025-11-03. Review status: criteria provided, single submitter. Criteria: Invitae Variant Classification Sherloc (09022015). Collection method: clinical testing. Allele origin: germline.

Ambry Genetics
Classification: Uncertain significance for Cardiovascular phenotype. Last evaluated: 2024-03-14. Review status: criteria provided, single submitter. Criteria: Ambry Variant Classification Scheme 2023. Collection method: clinical testing. Allele origin: germline.
Comment: The p.P393R variant (also known as c.1178C>G), located in coding exon 2 of the RBM20 gene, results from a C to G substitution at nucleotide position 1178. The proline at codon 393 is replaced by arginine, an amino acid with dissimilar properties. This amino acid position is conserved. In addition, the in silico prediction for this alteration is inconclusive. Based on the available evidence, the clinical significance of this alteration remains unclear.

Blueprint Genetics
Classification: Uncertain significance. Last evaluated: 2022-08-17. Review status: criteria provided, single submitter. Criteria: ACMG Guidelines, 2015. Collection method: clinical testing. Allele origin: germline.